The following is an entry in ClinVar:

NM_017617.5(NOTCH1):c.5927T>A (p.Val1976Asp)

Gene: NOTCH1 (notch receptor 1; minus strand). Cytogenetic location: 9q34.3.
Variant type: single nucleotide variant.
Coding change: c.5927T>A on transcript NM_017617.5 (MANE Select); coding-DNA position 5927, T replaced by A.
Protein change: p.Val1976Asp; replaces valine 1976 with aspartic acid.
Molecular consequence: missense variant.
Genome position (GRCh38, 1-based): chr9:136,500,559, A>T on the plus strand (T>A on the coding strand, the complement: NOTCH1 is on the minus strand). VCF-style: chr9-136500559-A-T. GRCh37 (hg19) VCF-style: chr9-139395011-A-T.
Other names: short protein forms V1976D.
Identifiers: ClinVar variation 2690894 (VCV002690894.1), dbSNP rs2133325416, ClinGen allele CA375636260.

ClinVar aggregate classification (germline): Likely pathogenic (1 of 4 stars; one submission).

Conditions:
Aortic valve disease 1 (AOVD1). Identifiers: MedGen C3887892, MONDO:0024523, OMIM 109730.

Submission:

Johns Hopkins Genomics, Johns Hopkins University
Classification: Likely pathogenic for Aortic valve disease 1. Last evaluated: 2024-01-24. Review status: criteria provided, single submitter. Criteria: ACMG Guidelines, 2015. Collection method: clinical testing. Allele origin: germline.
Comment: This NOTCH1 variant is absent from a large population dataset and has not been reported previously in ClinVar, nor the literature to our knowledge. Two bioinformatics tools queried predict that p.Val1976Asp would be damaging. The valine residue at this position is strongly conserved across all vertebrate species assessed. We consider c.5927T>A to be likely pathogenic for autosomal dominant aortic valve disease 1.

Literature cited by the submitters: PubMed 16025100; PubMed 18593716; PubMed 21457232; PubMed 26820064; PubMed 27760138.